The following is an entry in ClinVar:

NM_024101.7(MLPH):c.104G>A (p.Arg35Gln)

Gene: MLPH (melanophilin; plus strand). Cytogenetic location: 2q37.3.
Variant type: single nucleotide variant.
Coding change: c.104G>A on transcript NM_024101.7 (MANE Select); coding-DNA position 104, G replaced by A.
Protein change: p.Arg35Gln; replaces arginine 35 with glutamine.
Molecular consequence: missense variant. On other transcripts: non-coding transcript variant (1).
Genome position (GRCh38, 1-based): chr2:237,493,530, G>A. VCF-style: chr2-237493530-G-A. GRCh37 (hg19) VCF-style: chr2-238402173-G-A.
Other names: c.104G>A, p.Arg35Gln (NM_001042467.3, NM_001281473.2, NM_001281474.2); short protein forms R35Q.
Identifiers: ClinVar variation 191157 (VCV000191157.9), dbSNP rs786205551, ClinGen allele CA236136.

ClinVar aggregate classification (germline): Pathogenic/Likely pathogenic. Review status: criteria provided, multiple submitters, no conflicts (2 of 4 stars). 4 submissions from 4 submitters: Pathogenic (1); Likely pathogenic (1). 2 of the submissions do not count toward it. Last evaluated 2025-02-24.

Conditions:
Griscelli syndrome type 3 (GS3). Identifiers: Orphanet 381, Orphanet 79478, MedGen C1836573, MONDO:0012220, OMIM 609227.

Allele frequency attached by ClinVar (database versions not stated): TOPMed below 0.00001; gnomAD 0.00001; gnomAD exomes 0.00001.
gnomAD v4.1: 22 of 1,612,944 alleles (0.0014%); highest among the groups gnomAD compares: Admixed American, 0.0017%; no homozygotes.

Submissions (4):

Labcorp Genetics (formerly Invitae), Labcorp
Classification: Pathogenic. Last evaluated: 2025-02-24. Review status: criteria provided, single submitter. Criteria: Invitae Variant Classification Sherloc (09022015). Collection method: clinical testing. Allele origin: germline.
Comment: This sequence change replaces arginine, which is basic and polar, with glutamine, which is neutral and polar, at codon 35 of the MLPH protein (p.Arg35Gln). This variant is present in population databases (rs786205551, gnomAD 0.01%). This missense change has been observed in individuals with Griscelli syndrome (PMID: 26915675, 31721180). ClinVar contains an entry for this variant (Variation ID: 191157). Invitae Evidence Modeling of protein sequence and biophysical properties (such as structural, functional, and spatial information, amino acid conservation, physicochemical variation, residue mobility, and thermodynamic stability) indicates that this missense variant is expected to disrupt MLPH protein function with a positive predictive value of 80%. This variant disrupts the p.Arg35 amino acid residue in MLPH. Other variant(s) that disrupt this residue have been determined to be pathogenic (PMID: 12897212, 21883982, 30389201). This suggests that this residue is clinically significant, and that variants that disrupt this residue are likely to be disease-causing. For these reasons, this variant has been classified as Pathogenic.

Genomic Medicine Center of Excellence, King Faisal Specialist Hospital and Research Centre
Classification: Likely pathogenic. Review status: criteria provided, single submitter. Criteria: ACMG Guidelines, 2015. Collection method: research. Allele origin: germline. Affected: yes.

OMIM
Classification: Pathogenic for GRISCELLI SYNDROME, TYPE 3. Last evaluated: 2023-05-25. Review status: no assertion criteria provided. Collection method: literature only. Allele origin: germline. Not counted in ClinVar's aggregate classification.

Biochemical Molecular Genetic Laboratory, King Abdulaziz Medical City
Classification: Pathogenic for Griscelli syndrome type 3. Last evaluated: 2020-09-10. Review status: no assertion criteria provided. Collection method: clinical testing. Allele origin: germline. Affected: yes. Not counted in ClinVar's aggregate classification.

Literature cited by the submitters: PubMed 26915675 (cited by Labcorp Genetics (formerly Invitae), Labcorp); PubMed 31721180 (cited by Labcorp Genetics (formerly Invitae), Labcorp and OMIM); PubMed 3 (cited by Labcorp Genetics (formerly Invitae), Labcorp); PubMed 2165 (cited by Labcorp Genetics (formerly Invitae), Labcorp); PubMed 7920 (cited by Labcorp Genetics (formerly Invitae), Labcorp); PubMed 1000750 (cited by Labcorp Genetics (formerly Invitae), Labcorp); PubMed 12897212 (cited by Labcorp Genetics (formerly Invitae), Labcorp); PubMed 21883982 (cited by Labcorp Genetics (formerly Invitae), Labcorp); PubMed 30389201 (cited by Labcorp Genetics (formerly Invitae), Labcorp).